The following is an entry in ClinVar:

NM_001136191.3(KANK2):c.926G>A (p.Arg309Gln)

Gene: KANK2 (KN motif and ankyrin repeat domains 2; minus strand). Cytogenetic location: 19p13.2.
Variant type: single nucleotide variant.
Coding change: c.926G>A on transcript NM_001136191.3 (MANE Select); coding-DNA position 926, G replaced by A.
Protein change: p.Arg309Gln; replaces arginine 309 with glutamine.
Molecular consequence: missense variant.
Genome position (GRCh38, 1-based): chr19:11,193,154, C>T on the plus strand (G>A on the coding strand, the complement: KANK2 is on the minus strand). VCF-style: chr19-11193154-C-T. GRCh37 (hg19) VCF-style: chr19-11303830-C-T.
Other names: c.926G>A, p.Arg309Gln (NM_001329451.2, NM_001379548.1, NM_001379549.1 and 15 more transcripts); short protein forms R309Q.
Identifiers: ClinVar variation 2041493 (VCV002041493.8), dbSNP rs200019100, ClinGen allele CA9205943.

ClinVar aggregate classification (germline): Benign/Likely benign. Review status: criteria provided, multiple submitters, no conflicts (2 of 4 stars). 2 submissions from 2 submitters: Benign (1); Likely benign (1). Last evaluated 2026-02-01.

Allele frequency attached by ClinVar (database versions not stated): TOPMed 0.00101; ESP Exome Variant Server 0.00109; gnomAD 0.00150; ExAC 0.00223; 1000 Genomes Project 30x 0.00328; 1000 Genomes Project 0.00359.
gnomAD v4.1: 2,143 of 1,608,898 alleles (0.13%); highest among the groups gnomAD compares: South Asian, 1%; 10 homozygotes.

Submissions (2):

CeGaT Center for Human Genetics Tuebingen
Classification: Likely benign. Last evaluated: 2026-02-01. Review status: criteria provided, single submitter. Criteria: CeGaT Center For Human Genetics Tuebingen Variant Classification Criteria Version 2. Collection method: clinical testing. Allele origin: germline. Affected: yes. Observed: 1 variant allele.
Comment: KANK2: BP4, BS1

Labcorp Genetics (formerly Invitae), Labcorp
Classification: Benign. Last evaluated: 2026-01-08. Review status: criteria provided, single submitter. Criteria: Invitae Variant Classification Sherloc (09022015). Collection method: clinical testing. Allele origin: germline.